The following is an entry in ClinVar:

ClinVar aggregate classification (germline): Uncertain significance. Review status: criteria provided, multiple submitters, no conflicts (2 of 4 stars). 2 submissions from 2 submitters: Uncertain significance (2). Last evaluated 2026-07-01.

Conditions:
Developmental and epileptic encephalopathy, 34 (DEE34). Also called: SLC12A5-Related Epilepsy of Infancy with Migrating Focal Seizures; Early infantile epileptic encephalopathy 34. Identifiers: Orphanet 293181, MedGen C4225257, MONDO:0014718, OMIM 616645.

Allele frequency attached by ClinVar (database versions not stated): gnomAD exomes 0.00001; TOPMed 0.00001; ExAC 0.00002.
gnomAD v4.1: 7 of 1,609,542 alleles (0.00043%); highest among the groups gnomAD compares: Admixed American, 0.0084%; no homozygotes.

Submissions (2):

CeGaT Center for Human Genetics Tuebingen
Classification: Uncertain significance. Last evaluated: 2026-07-01. Review status: criteria provided, single submitter. Criteria: CeGaT Center For Human Genetics Tuebingen Variant Classification Criteria Version 2. Collection method: clinical testing. Allele origin: germline. Affected: yes. Observed: 1 variant allele.
Comment: SLC12A5: PM2, PP3

Labcorp Genetics (formerly Invitae), Labcorp
Classification: Uncertain significance for Developmental and epileptic encephalopathy, 34. Last evaluated: 2022-01-16. Review status: criteria provided, single submitter. Criteria: Invitae Variant Classification Sherloc (09022015). Collection method: clinical testing. Allele origin: germline.
Comment: In summary, the available evidence is currently insufficient to determine the role of this variant in disease. Therefore, it has been classified as a Variant of Uncertain Significance. Advanced modeling of protein sequence and biophysical properties (such as structural, functional, and spatial information, amino acid conservation, physicochemical variation, residue mobility, and thermodynamic stability) performed at Invitae indicates that this missense variant is not expected to disrupt SLC12A5 protein function. This variant has not been reported in the literature in individuals affected with SLC12A5-related conditions. This variant is present in population databases (rs760385352, gnomAD 0.01%). This sequence change replaces valine, which is neutral and non-polar, with methionine, which is neutral and non-polar, at codon 738 of the SLC12A5 protein (p.Val738Met).

NM_020708.5(SLC12A5):c.2212G>A (p.Val738Met)

Gene: SLC12A5 (solute carrier family 12 member 5; plus strand). Cytogenetic location: 20q13.12.
Variant type: single nucleotide variant.
Coding change: c.2212G>A on transcript NM_020708.5 (MANE Select); coding-DNA position 2212, G replaced by A.
Protein change: p.Val738Met; replaces valine 738 with methionine.
Molecular consequence: missense variant.
Genome position (GRCh38, 1-based): chr20:46,051,705, G>A. VCF-style: chr20-46051705-G-A. GRCh37 (hg19) VCF-style: chr20-44680344-G-A.
Other names: c.2281G>A, p.Val761Met (NM_001134771.2); short protein forms V738M, V761M.
Identifiers: ClinVar variation 1988699 (VCV001988699.4), dbSNP rs760385352, ClinGen allele CA9887556.